The following is an entry in ClinVar:

ClinVar aggregate classification (germline): Likely pathogenic. Review status: criteria provided, multiple submitters, no conflicts (2 of 4 stars). 3 submissions from 3 submitters: Likely pathogenic (2). 1 of the submissions does not count toward it. Last evaluated 2025-07-07.

Conditions:
Corneal dystrophy, Fuchs endothelial, 4 (FECD4). Identifiers: Orphanet 98974, MedGen C2750450, MONDO:0013204, OMIM 613268.
Corneal dystrophy-perceptive deafness syndrome (CDPD). Also called: CORNEAL DYSTROPHY AND SENSORINEURAL DEAFNESS; HARBOYAN SYNDROME. Identifiers: Orphanet 1490, MedGen C1857572, MONDO:0009015, OMIM 217400.
Congenital hereditary endothelial dystrophy of cornea. Also called: Congenital hereditary endothelial dystrophy type II; Congenital hereditary endothelial dystrophy of the cornea; Maumenee corneal dystrophy; CORNEAL DYSTROPHY, CONGENITAL HEREDITARY ENDOTHELIAL; Corneal endothelial dystrophy, autosomal recessive. Identifiers: Orphanet 293603, MedGen C1857569, MONDO:0009019, OMIM 217700.

Allele frequency attached by ClinVar (database versions not stated): gnomAD exomes 0.00001 and below 0.00001; TOPMed below 0.00001; gnomAD 0.00001.
gnomAD v4.1: 3 of 1,612,776 alleles (0.00019%); highest among the groups gnomAD compares: Admixed American, 0.0033%; no homozygotes.

Submissions (3):

Natera, Inc.
Classification: Likely pathogenic for Corneal dystrophy-perceptive deafness syndrome. Last evaluated: 2025-07-07. Review status: criteria provided, single submitter. Criteria: Natera Variant Classification Schema (03/2026). Collection method: clinical testing. Allele origin: germline.
Comment: The c.2566A>G variant in SLC4A11 is a missense variant predicted to cause substitution of methionine to valine at amino acid 856. This variant is rare in the general population with a frequency below the threshold expected for the associated phenotype(s). This variant has been observed in one or more individuals affected with the associated recessive disease, as either homozygous or compound heterozygous with a second variant (PMID: 17220209). This variant has been identified in one or more affected individuals with a phenotype highly consistent with the associated gene (PMID: 17220209). Computational prediction algorithms indicate this variant is likely to affect gene or protein function. Given the available evidence, this variant is classified as Likely Pathogenic.

Fulgent Genetics
Classification: Likely pathogenic for Corneal dystrophy-perceptive deafness syndrome; Congenital hereditary endothelial dystrophy of cornea; Corneal dystrophy, Fuchs endothelial, 4. Last evaluated: 2024-05-11. Review status: criteria provided, single submitter. Criteria: ACMG Guidelines, 2015. Collection method: clinical testing. Allele origin: germline.

OMIM
Classification: Pathogenic for CORNEAL DYSTROPHY AND PERCEPTIVE DEAFNESS. Last evaluated: 2007-05-01. Review status: no assertion criteria provided. Collection method: literature only. Allele origin: germline. Not counted in ClinVar's aggregate classification.

Literature cited by the submitters: PubMed 17220209 (cited by Natera, Inc. and OMIM).

NM_001174089.2(SLC4A11):c.2518A>G (p.Met840Val)

Gene: SLC4A11 (solute carrier family 4 member 11; minus strand). Cytogenetic location: 20p13.
Variant type: single nucleotide variant.
Coding change: c.2518A>G on transcript NM_001174089.2 (MANE Select); coding-DNA position 2518, A replaced by G.
Protein change: p.Met840Val; replaces methionine 840 with valine.
Molecular consequence: missense variant. On other transcripts: non-coding transcript variant (1).
Genome position (GRCh38, 1-based): chr20:3,228,299, T>C on the plus strand (A>G on the coding strand, the complement: SLC4A11 is on the minus strand). VCF-style: chr20-3228299-T-C. GRCh37 (hg19) VCF-style: chr20-3208945-T-C.
Other names: c.2566A>G (NM_032034.3); c.2647A>G, p.Met883Val (NM_001174090.2); c.2404A>G, p.Met802Val (NM_001363745.2); c.2566A>G, p.Met856Val (NM_032034.4); short protein forms M856V, M840V, M802V, M883V.
Identifiers: ClinVar variation 1315 (VCV000001315.3), dbSNP rs121909396, ClinGen allele CA114918.
Genomic context (GRCh38, chr20:3,228,299, plus strand): 5'-CACTGCCCACCCGCCTGTACCGGATGGGGATCATGGCGATCATGATGAGGGGAAAGATCA[T>C]CTTCATGTAGGGCAGGGAGCTCATGCCGAAGGCACACAGCAGCAGCAGCTGAAGCACCTG-3'
Protein context (NP_001167560.1, residues 830-850): FGMSSLPYMK[Met840Val]IFPLIMIAMI